The following is an entry in ClinVar:

NM_001277115.2(DNAH11):c.4901C>G (p.Ala1634Gly)

Gene: DNAH11 (dynein axonemal heavy chain 11; plus strand). Cytogenetic location: 7p15.3.
Variant type: single nucleotide variant.
Coding change: c.4901C>G on transcript NM_001277115.2 (MANE Select); coding-DNA position 4901, C replaced by G.
Protein change: p.Ala1634Gly; replaces alanine 1634 with glycine.
Molecular consequence: missense variant.
Genome position (GRCh38, 1-based): chr7:21,639,022, C>G. VCF-style: chr7-21639022-C-G. GRCh37 (hg19) VCF-style: chr7-21678640-C-G.
Other names: short protein forms A1634G.
Identifiers: ClinVar variation 640161 (VCV000640161.6), dbSNP rs1583553658, ClinGen allele CA366934627.

ClinVar aggregate classification (germline): Uncertain significance (1 of 4 stars; one submission).

Conditions:
Primary ciliary dyskinesia. Also called: Ciliary dyskinesia. Identifiers: Orphanet 244, MedGen C0008780, MONDO:0016575, HP:0012265.

Allele frequency attached by ClinVar (database versions not stated): gnomAD exomes 0.00001.
gnomAD v4.1: 5 of 1,613,664 alleles (0.00031%); highest among the groups gnomAD compares: Non-Finnish European, 0.00042%; no homozygotes.

Submission:

Labcorp Genetics (formerly Invitae), Labcorp
Classification: Uncertain significance for Primary ciliary dyskinesia. Last evaluated: 2022-10-17. Review status: criteria provided, single submitter. Criteria: Invitae Variant Classification Sherloc (09022015). Collection method: clinical testing. Allele origin: germline.
Comment: This sequence change replaces alanine, which is neutral and non-polar, with glycine, which is neutral and non-polar, at codon 1634 of the DNAH11 protein (p.Ala1634Gly). This variant is not present in population databases (gnomAD no frequency). This variant has not been reported in the literature in individuals affected with DNAH11-related conditions. ClinVar contains an entry for this variant (Variation ID: 640161). Advanced modeling of protein sequence and biophysical properties (such as structural, functional, and spatial information, amino acid conservation, physicochemical variation, residue mobility, and thermodynamic stability) performed at Invitae indicates that this missense variant is not expected to disrupt DNAH11 protein function. In summary, the available evidence is currently insufficient to determine the role of this variant in disease. Therefore, it has been classified as a Variant of Uncertain Significance.